The following is an entry in ClinVar:

NM_002334.4(LRP4):c.5507T>C (p.Leu1836Pro)

Genes: LRP4-AS1 (LRP4 antisense RNA 1; plus strand), LRP4 (LDL receptor related protein 4; minus strand). Cytogenetic location: 11p11.2.
Variant type: single nucleotide variant.
Coding change: c.5507T>C on transcript NM_002334.4 (MANE Select); coding-DNA position 5507, T replaced by C.
Protein change: p.Leu1836Pro; replaces leucine 1836 with proline.
Molecular consequence: missense variant.
Genome position (GRCh38, 1-based): chr11:46,859,194, A>G on the plus strand (T>C on the coding strand, the complement: LRP4 is on the minus strand). VCF-style: chr11-46859194-A-G. GRCh37 (hg19) VCF-style: chr11-46880745-A-G.
Other names: short protein forms L1836P.
Identifiers: ClinVar variation 2045820 (VCV002045820.4), dbSNP rs1031449863, ClinGen allele CA221659467.
Genomic context (GRCh38, chr11:46,859,194, plus strand): 5'-GAGCCAGAGCTGGCCTGGATGGACACCGTGTCTGTCTTCATGCATACATGATCCCGGAGG[A>G]GGCCCCCCCGTGAGCTTCGCAGTTGCTTGAGGTCATCCCACTCAGCATCATCCCCAGACA-3'
Protein context (NP_002325.2, residues 1826-1846): LKQLRSSRGG[Leu1836Pro]LRDHVCMKTD

ClinVar aggregate classification (germline): Uncertain significance (1 of 4 stars; one submission).

Conditions:
Cenani-Lenz syndactyly syndrome. Also called: SYNDACTYLY, TYPE VII; CENANI SYNDACTYLISM. Identifiers: Orphanet 3258, MedGen C1859309, MONDO:0008931, OMIM 212780.
Sclerosteosis 2 (SOST2). Identifiers: Orphanet 3152, MedGen C3280402, MONDO:0013679, OMIM 614305.
Congenital myasthenic syndrome 17. Identifiers: Orphanet 590, MedGen C4225377, MONDO:0014578, OMIM 616304.

Allele frequency attached by ClinVar (database versions not stated): gnomAD exomes below 0.00001.
gnomAD v4.1: 1 of 1,614,028 alleles (0.000062%); highest among the groups gnomAD compares: Non-Finnish European, 0.000085%; no homozygotes.

Submission:

Labcorp Genetics (formerly Invitae), Labcorp
Classification: Uncertain significance for Cenani-Lenz syndactyly syndrome; Sclerosteosis 2; Congenital myasthenic syndrome 17. Last evaluated: 2025-10-01. Review status: criteria provided, single submitter. Criteria: Invitae Variant Classification Sherloc (09022015). Collection method: clinical testing. Allele origin: germline.
Comment: This sequence change replaces leucine, which is neutral and non-polar, with proline, which is neutral and non-polar, at codon 1836 of the LRP4 protein (p.Leu1836Pro). This variant is not present in population databases (gnomAD no frequency). This variant has not been reported in the literature in individuals affected with LRP4-related conditions. ClinVar contains an entry for this variant (Variation ID: 2045820). Invitae Evidence Modeling of protein sequence and biophysical properties (such as structural, functional, and spatial information, amino acid conservation, physicochemical variation, residue mobility, and thermodynamic stability) indicates that this missense variant is not expected to disrupt LRP4 protein function with a negative predictive value of 80%. In summary, the available evidence is currently insufficient to determine the role of this variant in disease. Therefore, it has been classified as a Variant of Uncertain Significance.